The following is an entry in ClinVar:

NM_001368067.1(LDB3):c.353A>C (p.Tyr118Ser)

Genes: LDB3 (LIM domain binding 3; plus strand), LOC110121486 (VISTA enhancer hs2143; plus strand). Cytogenetic location: 10q23.2.
Variant type: single nucleotide variant.
Coding change: c.353A>C on transcript NM_001368067.1 (MANE Plus Clinical); coding-DNA position 353, A replaced by C.
Protein change: p.Tyr118Ser; replaces tyrosine 118 with serine.
Molecular consequence: missense variant. On other transcripts: intron variant (5).
Genome position (GRCh38, 1-based): chr10:86,687,077, A>C. VCF-style: chr10-86687077-A-C. GRCh37 (hg19) VCF-style: chr10-88446834-A-C.
Other names: c.353A>C, p.Tyr118Ser (NM_001080114.2, NM_001080116.1, NM_001368066.1 and 1 more transcripts); c.698A>C, p.Tyr233Ser (NM_001171610.2, NM_001171611.2); c.690-4819A>C (NM_001368064.1, NM_001368063.1, NM_007078.3 and 2 more transcripts); short protein forms Y118S, Y233S.
Identifiers: ClinVar variation 1042362 (VCV001042362.9), dbSNP rs1845519689, ClinGen allele CA377441322.

ClinVar aggregate classification (germline): Uncertain significance (1 of 4 stars; one submission).

Conditions:
Myofibrillar myopathy 4. Also called: Zaspopathy (type). Identifiers: Orphanet 98912, MedGen C4721886, MONDO:0012277, OMIM 609452.

Submission:

Labcorp Genetics (formerly Invitae), Labcorp
Classification: Uncertain significance for Myofibrillar myopathy 4. Last evaluated: 2020-07-19. Review status: criteria provided, single submitter. Criteria: Invitae Variant Classification Sherloc (09022015). Collection method: clinical testing. Allele origin: germline.
Comment: In summary, the available evidence is currently insufficient to determine the role of this variant in disease. Therefore, it has been classified as a Variant of Uncertain Significance. Algorithms developed to predict the effect of missense changes on protein structure and function (SIFT, PolyPhen-2, Align-GVGD) all suggest that this variant is likely to be tolerated, but these predictions have not been confirmed by published functional studies and their clinical significance is uncertain. This variant has not been reported in the literature in individuals with LDB3-related conditions. This variant is not present in population databases (ExAC no frequency). This sequence change replaces tyrosine with serine at codon 118 of the LDB3 protein (p.Tyr118Ser). The tyrosine residue is weakly conserved and there is a large physicochemical difference between tyrosine and serine.